The following is an entry in ClinVar:

ClinVar aggregate classification (germline): Uncertain significance. Review status: criteria provided, multiple submitters, no conflicts (2 of 4 stars). 4 submissions from 4 submitters: Uncertain significance (4). Last evaluated 2026-09-22.

Conditions:
TCTN3-related disorder. Also called: TCTN3-related condition.
Inborn genetic diseases. Identifiers: MedGen C0950123, MeSH D030342.
Joubert syndrome 18 (JBTS18). Identifiers: Orphanet 2754, MedGen C3553758, MONDO:0013896, OMIM 614815.
Orofacial-digital syndrome IV (OFD4). Also called: BARAITSER-BURN SYNDROME; Orofaciodigital syndrome IV; OFD SYNDROME WITH TIBIAL DEFECTS; OFD SYNDROME, BARAITSER-BURN TYPE; OFDS IV; ORAL-FACIAL-DIGITAL SYNDROME, TYPE IV. Identifiers: Orphanet 2753, MedGen C0406727, MONDO:0009794, OMIM 258860.

Allele frequency attached by ClinVar (database versions not stated): gnomAD exomes 0.00001 and 0.00002; gnomAD 0.00002; ExAC 0.00003.
gnomAD v4.1: 11 of 1,614,034 alleles (0.00068%); highest among the groups gnomAD compares: Admixed American, 0.012%; no homozygotes.

Submissions (4):

PreventionGenetics, part of Exact Sciences
Classification: Uncertain significance for TCTN3-related condition. Last evaluated: 2026-09-22. Review status: criteria provided, single submitter. Criteria: ACMG Guidelines, 2015. Collection method: clinical testing. Allele origin: germline.
Comment: The TCTN3 c.1396G>C variant is predicted to result in the amino acid substitution p.Asp466His. To our knowledge, this variant has not been reported in the literature. This variant is reported in 0.012% of alleles in individuals of African descent in gnomAD. At this time, the clinical significance of this variant is uncertain due to the absence of conclusive functional and genetic evidence.

Labcorp Genetics (formerly Invitae), Labcorp
Classification: Uncertain significance for Joubert syndrome 18; Orofacial-digital syndrome IV. Last evaluated: 2024-10-03. Review status: criteria provided, single submitter. Criteria: Invitae Variant Classification Sherloc (09022015). Collection method: clinical testing. Allele origin: germline.
Comment: This sequence change replaces aspartic acid, which is acidic and polar, with histidine, which is basic and polar, at codon 466 of the TCTN3 protein (p.Asp466His). This variant is present in population databases (rs754607949, gnomAD 0.01%). This variant has not been reported in the literature in individuals affected with TCTN3-related conditions. ClinVar contains an entry for this variant (Variation ID: 1407976). Invitae Evidence Modeling of protein sequence and biophysical properties (such as structural, functional, and spatial information, amino acid conservation, physicochemical variation, residue mobility, and thermodynamic stability) indicates that this missense variant is not expected to disrupt TCTN3 protein function with a negative predictive value of 80%. In summary, the available evidence is currently insufficient to determine the role of this variant in disease. Therefore, it has been classified as a Variant of Uncertain Significance.

Ambry Genetics
Classification: Uncertain significance for Inborn genetic diseases. Last evaluated: 2023-03-02. Review status: criteria provided, single submitter. Criteria: Ambry Variant Classification Scheme 2023. Collection method: clinical testing. Allele origin: germline.

Blueprint Genetics
Classification: Uncertain significance. Last evaluated: 2022-09-12. Review status: criteria provided, single submitter. Criteria: ACMG Guidelines, 2015. Collection method: clinical testing. Allele origin: germline.

NM_015631.6(TCTN3):c.1396G>C (p.Asp466His)

Gene: TCTN3 (tectonic family member 3; minus strand). Cytogenetic location: 10q24.1.
Variant type: single nucleotide variant.
Coding change: c.1396G>C on transcript NM_015631.6 (MANE Select); coding-DNA position 1396, G replaced by C.
Protein change: p.Asp466His; replaces aspartic acid 466 with histidine.
Molecular consequence: missense variant.
Genome position (GRCh38, 1-based): chr10:95,682,707, C>G on the plus strand (G>C on the coding strand, the complement: TCTN3 is on the minus strand). VCF-style: chr10-95682707-C-G. GRCh37 (hg19) VCF-style: chr10-97442464-C-G.
Other names: c.1396G>C (NM_015631.5); c.952G>C, p.Asp318His (NM_001143973.2); short protein forms D318H, D466H.
Identifiers: ClinVar variation 1407976 (VCV001407976.10), dbSNP rs754607949, ClinGen allele CA5620850.